The following is an entry in ClinVar:

NM_001164508.2(NEB):c.8213C>T (p.Pro2738Leu)

Gene: NEB (nebulin; minus strand). Cytogenetic location: 2q23.3.
Variant type: single nucleotide variant.
Coding change: c.8213C>T on transcript NM_001164508.2 (MANE Select); coding-DNA position 8213, C replaced by T.
Protein change: p.Pro2738Leu; replaces proline 2738 with leucine.
Molecular consequence: missense variant.
Genome position (GRCh38, 1-based): chr2:151,642,817, G>A on the plus strand (C>T on the coding strand, the complement: NEB is on the minus strand). VCF-style: chr2-151642817-G-A. GRCh37 (hg19) VCF-style: chr2-152499331-G-A.
Other names: c.8213C>T, p.Pro2738Leu (NM_001164507.2, NM_001271208.2, NM_004543.5); short protein forms P2738L.
Identifiers: ClinVar variation 2082953 (VCV002082953.17), dbSNP rs1452959222, ClinGen allele CA348812856.
Genomic context (GRCh38, chr2:151,642,817, plus strand): 5'-TTACTTACCTCACTGTAATTTACTTTGTTTTGTTTAGCTAATAAAACTTCAGGGGTATCT[G>A]GCATAATGTGGACAGTGGTTTTATCTTTATCCCAAGCTTCTGTATAGAGGCGCTAAGAGA-3'
Protein context (NP_001157980.2, residues 2728-2748): DKDKTTVHIM[Pro2738Leu]DTPEVLLAKQ

ClinVar aggregate classification (germline): Uncertain significance. Review status: criteria provided, multiple submitters, no conflicts (2 of 4 stars). 3 submissions from 3 submitters: Uncertain significance (3). Last evaluated 2026-01-07.

Conditions:
Nemaline myopathy 2 (NEM2). Also called: Nemaline myopathy 2, autosomal recessive. Identifiers: MedGen C1850569, MONDO:0009725, OMIM 256030.

Allele frequency attached by ClinVar (database versions not stated): gnomAD exomes 0.00001.
gnomAD v4.1: 5 of 1,613,052 alleles (0.00031%); highest among the groups gnomAD compares: Middle Eastern, 0.05%; no homozygotes.

Submissions (3):

Dasa
Classification: Uncertain significance. Last evaluated: 2026-01-07. Review status: criteria provided, single submitter. Criteria: DASA Assertion Criteria. Collection method: clinical testing. Allele origin: germline.
Comment: NM_001164508.2(NEB):c.8213C>T (p.Pro2738Leu) is a missense variant that results in the substitution of proline with leucine. This variant is rare in population databases. The currently available literature and clinical evidence are not sufficient to establish a definitive association between this variant and the reported condition. Therefore, this variant is classified as a variant of uncertain significance.

CeGaT Center for Human Genetics Tuebingen
Classification: Uncertain significance. Last evaluated: 2024-10-01. Review status: criteria provided, single submitter. Criteria: CeGaT Center For Human Genetics Tuebingen Variant Classification Criteria Version 2. Collection method: clinical testing. Allele origin: germline. Affected: yes. Observed: 1 variant allele.
Comment: NEB: PM2

Labcorp Genetics (formerly Invitae), Labcorp
Classification: Uncertain significance for Nemaline myopathy 2. Last evaluated: 2022-06-27. Review status: criteria provided, single submitter. Criteria: Invitae Variant Classification Sherloc (09022015). Collection method: clinical testing. Allele origin: germline.
Comment: This sequence change replaces proline, which is neutral and non-polar, with leucine, which is neutral and non-polar, at codon 2738 of the NEB protein (p.Pro2738Leu). This variant is present in population databases (no rsID available, gnomAD 0.0009%). This variant has not been reported in the literature in individuals affected with NEB-related conditions. Algorithms developed to predict the effect of missense changes on protein structure and function are either unavailable or do not agree on the potential impact of this missense change (SIFT: "Deleterious"; PolyPhen-2: "Not Available"; Align-GVGD: "Class C0"). In summary, the available evidence is currently insufficient to determine the role of this variant in disease. Therefore, it has been classified as a Variant of Uncertain Significance.